The following is an entry in ClinVar:

NM_020928.2(ZSWIM6):c.2539+5T>C

Gene: ZSWIM6 (zinc finger SWIM-type containing 6; plus strand). Cytogenetic location: 5q12.1.
Variant type: single nucleotide variant.
Coding change: c.2539+5T>C on transcript NM_020928.2 (MANE Select); 5 bases into the intron after coding-DNA position 2539, T replaced by C.
Molecular consequence: intron variant.
Genome position (GRCh38, 1-based): chr5:61,538,976, T>C. VCF-style: chr5-61538976-T-C. GRCh37 (hg19) VCF-style: chr5-60834803-T-C.
Identifiers: ClinVar variation 2839673 (VCV002839673.3), dbSNP rs1749655799, ClinGen allele CA1550277364.

ClinVar aggregate classification (germline): Uncertain significance (1 of 4 stars; one submission).

Allele frequency attached by ClinVar (database versions not stated): gnomAD exomes below 0.00001.
gnomAD v4.1: 3 of 1,545,518 alleles (0.00019%); highest among the groups gnomAD compares: African/African-American, 0.0041%; no homozygotes.

Submission:

Labcorp Genetics (formerly Invitae), Labcorp
Classification: Uncertain significance. Last evaluated: 2023-02-22. Review status: criteria provided, single submitter. Criteria: Invitae Variant Classification Sherloc (09022015). Collection method: clinical testing. Allele origin: germline.
Comment: In summary, the available evidence is currently insufficient to determine the role of this variant in disease. Therefore, it has been classified as a Variant of Uncertain Significance. Variants that disrupt the consensus splice site are a relatively common cause of aberrant splicing (PMID: 17576681, 9536098). Algorithms developed to predict the effect of sequence changes on RNA splicing suggest that this variant is not likely to affect RNA splicing. This variant has not been reported in the literature in individuals affected with ZSWIM6-related conditions. This variant is not present in population databases (gnomAD no frequency). This sequence change falls in intron 11 of the ZSWIM6 gene. It does not directly change the encoded amino acid sequence of the ZSWIM6 protein. It affects a nucleotide within the consensus splice site.

Literature cited by the submitters: PubMed 17576681; PubMed 9536098.